The following is an entry in ClinVar:

NM_000238.4(KCNH2):c.3041G>A (p.Arg1014Gln)

Gene: KCNH2 (potassium voltage-gated channel subfamily H member 2; minus strand). Cytogenetic location: 7q36.1.
Variant type: single nucleotide variant.
Coding change: c.3041G>A on transcript NM_000238.4 (MANE Select); coding-DNA position 3041, G replaced by A.
Protein change: p.Arg1014Gln; replaces arginine 1014 with glutamine.
Molecular consequence: missense variant.
Genome position (GRCh38, 1-based): chr7:150,947,439, C>T on the plus strand (G>A on the coding strand, the complement: KCNH2 is on the minus strand). VCF-style: chr7-150947439-C-T. GRCh37 (hg19) VCF-style: chr7-150644527-C-T.
Other names: c.2021G>A, p.Arg674Gln (NM_172057.3); short protein forms R1014Q, R674Q.
Identifiers: ClinVar variation 922413 (VCV000922413.20), dbSNP rs932335536, ClinGen allele CA169072052.
Genomic context (GRCh38, chr7:150,947,439, plus strand): 5'-GGCCGCCGACCCGGGCTGGAGAGGGGGATGTTGAGGAGGCTGGGGGTGGGGGCGGGGCAT[C>T]GAGGGAGCTCCTGGTACTGGCGGCCCCGACTGTCCCCCCAGAAGCTGAAAATGTTGGACA-3'
Protein context (NP_000229.1, residues 1004-1024): SRGRQYQELP[Arg1014Gln]CPAPTPSLLN

ClinVar aggregate classification (germline): Uncertain significance. Review status: criteria provided, multiple submitters, no conflicts (2 of 4 stars). 5 submissions from 5 submitters: Uncertain significance (5). Last evaluated 2026-01-18.

Conditions:
Cardiac arrhythmia. Also called: Cardiac rhythm disease; Arrhythmia. Identifiers: MedGen C0003811, MONDO:0007263, HP:0011675.
Cardiovascular phenotype. Identifiers: MedGen CN230736.
Long QT syndrome (LQTS). Identifiers: MedGen C0023976, MeSH D008133, MONDO:0002442. Disease mechanism: loss of function. Inheritance: Various modes of inheritance.

Allele frequency attached by ClinVar (database versions not stated): TOPMed below 0.00001; gnomAD 0.00001.
gnomAD v4.1: 5 of 1,561,000 alleles (0.00032%); highest among the groups gnomAD compares: African/African-American, 0.0014%; no homozygotes.

Submissions (5):

Labcorp Genetics (formerly Invitae), Labcorp
Classification: Uncertain significance for Long QT syndrome. Last evaluated: 2026-01-18. Review status: criteria provided, single submitter. Criteria: Invitae Variant Classification Sherloc (09022015). Collection method: clinical testing. Allele origin: germline.
Comment: This sequence change replaces arginine, which is basic and polar, with glutamine, which is neutral and polar, at codon 1014 of the KCNH2 protein (p.Arg1014Gln). This variant is not present in population databases (gnomAD no frequency). This variant has not been reported in the literature in individuals affected with KCNH2-related conditions. ClinVar contains an entry for this variant (Variation ID: 922413). An algorithm developed to predict the effect of missense changes on protein structure and function (PolyPhen-2) suggests that this variant is likely to be disruptive. In summary, the available evidence is currently insufficient to determine the role of this variant in disease. Therefore, it has been classified as a Variant of Uncertain Significance.

All of Us Research Program, National Institutes of Health
Classification: Uncertain significance for Long QT syndrome. Last evaluated: 2024-05-17. Review status: criteria provided, single submitter. Criteria: ACMG Guidelines, 2015. Collection method: clinical testing. Allele origin: germline. Inheritance: Autosomal dominant inheritance. Observed: 2 variant alleles, 2 heterozygotes.
Comment: This missense variant replaces arginine with glutamine at codon 1014 of the KCNH2 protein. Computational prediction tool is inconclusive regarding the impact of this variant on protein structure and function (internally defined REVEL score threshold 0.5 < inconclusive < 0.7, PMID: 27666373). Splice site prediction tools suggest that this variant may not impact RNA splicing. To our knowledge, functional studies have not been performed for this variant. This variant has not been reported in individuals affected with cardiovascular disorders in the literature. This variant has not been identified in the general population by the Genome Aggregation Database (gnomAD). The available evidence is insufficient to determine the role of this variant in disease conclusively. Therefore, this variant is classified as a Variant of Uncertain Significance.

This study involves interpretation of variants in research participants for the purpose of population health screening. Participant phenotype was not available at the time of variant classification. Additional details can be found in publication PMID: 35346344, PMCID: PMC8962531

Color Diagnostics, LLC DBA Color Health
Classification: Uncertain significance for Cardiac arrhythmia. Last evaluated: 2024-03-06. Review status: criteria provided, single submitter. Criteria: ACMG Guidelines, 2015. Collection method: clinical testing. Allele origin: germline.
Comment: This missense variant replaces arginine with glutamine at codon 1014 of the KCNH2 protein. Computational prediction is inconclusive regarding the impact of this variant on protein structure and function (internally defined REVEL score threshold 0.5 < inconclusive < 0.7, PMID: 27666373). To our knowledge, functional studies have not been reported for this variant. This variant has not been reported in individuals affected with KCNH2-related disorders in the literature. This variant has not been identified in the general population by the Genome Aggregation Database (gnomAD). The available evidence is insufficient to determine the role of this variant in disease conclusively. Therefore, this variant is classified as a Variant of Uncertain Significance.

Ambry Genetics
Classification: Uncertain significance for Cardiovascular phenotype. Last evaluated: 2023-11-03. Review status: criteria provided, single submitter. Criteria: Ambry Variant Classification Scheme 2023. Collection method: clinical testing. Allele origin: germline.
Comment: The p.R1014Q variant (also known as c.3041G>A), located in coding exon 13 of the KCNH2 gene, results from a G to A substitution at nucleotide position 3041. The arginine at codon 1014 is replaced by glutamine, an amino acid with highly similar properties. This amino acid position is not well conserved in available vertebrate species. In addition, the in silico prediction for this alteration is inconclusive. Since supporting evidence is limited at this time, the clinical significance of this alteration remains unclear.

GeneDx
Classification: Uncertain significance. Last evaluated: 2019-10-22. Review status: criteria provided, single submitter. Criteria: GeneDx Variant Classification Process June 2021. Collection method: clinical testing. Allele origin: germline. Affected: yes.
Comment: Has not been previously published as pathogenic or benign to our knowledge; Not observed in large population cohorts (Lek et al., 2016); In silico analysis, which includes protein predictors and evolutionary conservation, supports that this variant does not alter protein structure/function